The following is an entry in ClinVar:

NM_006005.3(WFS1):c.*333C>A

Gene: WFS1 (wolframin ER transmembrane glycoprotein; plus strand). Cytogenetic location: 4p16.1.
Variant type: single nucleotide variant.
Coding change: c.*333C>A on transcript NM_006005.3 (MANE Select); 333 bases downstream of the stop codon, C replaced by A.
Molecular consequence: 3 prime UTR variant.
Genome position (GRCh38, 1-based): chr4:6,302,801, C>A. VCF-style: chr4-6302801-C-A. GRCh37 (hg19) VCF-style: chr4-6304528-C-A.
Other names: c.*333C>A (NM_001145853.1).
Identifiers: ClinVar variation 349344 (VCV000349344.6), dbSNP rs111800114, ClinGen allele CA10619019.

ClinVar aggregate classification (germline): Benign. Review status: criteria provided, multiple submitters, no conflicts (2 of 4 stars). 3 submissions from 2 submitters: Benign (3). Last evaluated 2018-01-13.

Conditions:
Autosomal dominant nonsyndromic hearing loss 6 (LFSNHL). Also called: DEAFNESS, AUTOSOMAL DOMINANT 6; DEAFNESS, AUTOSOMAL DOMINANT 14; DEAFNESS, AUTOSOMAL DOMINANT 38; Autosomal dominant nonsyndromic deafness 6; DIDMOAD (Diabetes Insipidus, Diabetes Mellitus, Optic Atrophy, and Deafness). Identifiers: Orphanet 90635, MedGen C1833021, MONDO:0010963, OMIM 600965.
Wolfram syndrome 1 (WFS1). Identifiers: Orphanet 3463, MedGen C4551693, MONDO:0009101, OMIM 222300.
WFS1-Related Spectrum Disorders.

Allele frequency attached by ClinVar (database versions not stated): 1000 Genomes Project 0.01757; gnomAD 0.01884 and 0.02051; 1000 Genomes Project 30x 0.02061; TOPMed 0.02138.
gnomAD v4.1: 3,566 of 435,424 alleles (0.82%); highest among the groups gnomAD compares: African/African-American, 6.4%; 116 homozygotes.

Submissions (3):

Illumina Laboratory Services, Illumina
Classification: Benign for Autosomal dominant nonsyndromic hearing loss 6. Last evaluated: 2018-01-13. Review status: criteria provided, single submitter. Criteria: ICSL Variant Classification Criteria 13 December 2019. Collection method: clinical testing. Allele origin: germline.
Comment: This variant was observed in the ICSL laboratory as part of a predisposition screen in an ostensibly healthy population. It had not been previously curated by ICSL or reported in the Human Gene Mutation Database (HGMD: prior to June 1st, 2018), and was therefore a candidate for classification through an automated scoring system. Utilizing variant allele frequency, disease prevalence and penetrance estimates, and inheritance mode, an automated score was calculated to assess if this variant is too frequent to cause the disease. Based on the score and internal cut-off values, a variant classified as benign is not then subjected to further curation. The score for this variant resulted in a classification of benign for this disease.

Illumina Laboratory Services, Illumina
Classification: Benign for WFS1-Related Spectrum Disorders. Last evaluated: 2018-01-13. Review status: criteria provided, single submitter. Criteria: ICSL Variant Classification Criteria 13 December 2019. Collection method: clinical testing. Allele origin: germline.
Comment: the same text as in the submission from Illumina Laboratory Services, Illumina above.

Clinical Genomics, Uppaluri K&H Personalized Medicine Clinic
Classification: Benign for Wolfram syndrome 1. Review status: criteria provided, single submitter. Criteria: K & H Uppaluri Personalized Medicine Clinic Variant Classification & Assertion Criteria_Updated V.1. Collection method: research. Allele origin: unknown. Inheritance: Autosomal recessive inheritance.
Comment: Potent mutations in WFS1 gene are associated with Wolfram's syndrome, an autosomal recessive condition, which cause diabetes mellitus, diabetes insipidus, deafness and optic atrophy.However no sufficient evidence is found to ascertain the role of this particular variant rs111800114 in Wolfram's syndrome yet.

Literature cited by the submitters: PubMed 20738327 (cited by Clinical Genomics, Uppaluri K&H Personalized Medicine Clinic); PubMed 33879153 (cited by Clinical Genomics, Uppaluri K&H Personalized Medicine Clinic); PubMed 12955714 (cited by Clinical Genomics, Uppaluri K&H Personalized Medicine Clinic); PubMed 18060660 (cited by Clinical Genomics, Uppaluri K&H Personalized Medicine Clinic); PubMed 20301750 (cited by Clinical Genomics, Uppaluri K&H Personalized Medicine Clinic); PubMed 17603484 (cited by Clinical Genomics, Uppaluri K&H Personalized Medicine Clinic).